The following is an entry in ClinVar:

ClinVar aggregate classification (germline): Uncertain significance (1 of 4 stars; one submission).

Conditions:
Neurodevelopmental disorder with epilepsy and brain atrophy (NEDEBA). Identifiers: MedGen C5774184, MONDO:0859265, OMIM 619971.

Submission:

Department of Clinical Genetics, Copenhagen University Hospital, Rigshospitalet
Classification: Uncertain significance for Neurodevelopmental disorder with epilepsy and brain atrophy. Last evaluated: 2025-03-31. Review status: criteria provided, single submitter. Criteria: ACMG Guidelines, 2015. Collection method: clinical testing. Allele origin: germline.
Comment: The followind ACMG criteria has been used: PM2_su, PP2_su, PP3_M

NM_001130021.3(ATP6V0A1):c.565C>T (p.Arg189Trp)

Gene: ATP6V0A1 (ATPase H+ transporting V0 subunit a1; plus strand). Cytogenetic location: 17q21.2.
Variant type: single nucleotide variant.
Coding change: c.565C>T on transcript NM_001130021.3 (MANE Select); coding-DNA position 565, C replaced by T.
Protein change: p.Arg189Trp; replaces arginine 189 with tryptophan.
Molecular consequence: missense variant. On other transcripts: intron variant (2).
Genome position (GRCh38, 1-based): chr17:42,478,521, C>T. VCF-style: chr17-42478521-C-T. GRCh37 (hg19) VCF-style: chr17-40630539-C-T.
Other names: c.586C>T, p.Arg196Trp (NM_001130020.3, NM_001378522.1, NM_001378523.1 and 5 more transcripts); c.565C>T, p.Arg189Trp (NM_001378530.1, NM_001378533.1, NM_001378535.1 and 10 more transcripts); c.457C>T, p.Arg153Trp (NM_001378536.1, NM_001378550.1, NM_001378556.1); c.436C>T, p.Arg146Trp (NM_001378538.1, NM_001378540.1); c.406C>T, p.Arg136Trp (NM_001378543.1); c.385C>T, p.Arg129Trp (NM_001378549.1); c.424-2146C>T (NM_001378545.1, NM_001378554.1); short protein forms R129W, R136W, R146W, R153W, R189W, R196W.
Identifiers: ClinVar variation 3899283 (VCV003899283.1).